The following is an entry in ClinVar:

ClinVar aggregate classification (germline): Uncertain significance. Review status: criteria provided, multiple submitters, no conflicts (2 of 4 stars). 2 submissions from 2 submitters: Uncertain significance (2). Last evaluated 2024-12-02.

Conditions:
Cardiovascular phenotype. Identifiers: MedGen CN230736.
Desmin-related myofibrillar myopathy (MFM1). Also called: MYOFIBRILLAR MYOPATHY WITH ARRHYTHMOGENIC RIGHT VENTRICULAR CARDIOMYOPATHY; DESMIN-RELATED MYOPATHY WITH ARRHYTHMOGENIC RIGHT VENTRICULAR CARDIOMYOPATHY; Desminopathy; Desmin related myopathy (former name); Desmin storage myopathy (former name); Myofibrillar myopathy 1. Identifiers: Orphanet 363543, Orphanet 98909, MedGen C1832370, MONDO:0011076, OMIM 601419.

Submissions (2):

Ambry Genetics
Classification: Uncertain significance for Cardiovascular phenotype. Last evaluated: 2024-12-02. Review status: criteria provided, single submitter. Criteria: Ambry Variant Classification Scheme 2023. Collection method: clinical testing. Allele origin: germline.
Comment: The p.R146G variant (also known as c.436C>G), located in coding exon 1 of the DES gene, results from a C to G substitution at nucleotide position 436. The arginine at codon 146 is replaced by glycine, an amino acid with dissimilar properties. This amino acid position is well conserved in available vertebrate species. In addition, the in silico prediction for this alteration is inconclusive. Based on the available evidence, the clinical significance of this variant remains unclear.

Labcorp Genetics (formerly Invitae), Labcorp
Classification: Uncertain significance for Desmin-related myofibrillar myopathy. Last evaluated: 2023-07-17. Review status: criteria provided, single submitter. Criteria: Invitae Variant Classification Sherloc (09022015). Collection method: clinical testing. Allele origin: germline.
Comment: In summary, the available evidence is currently insufficient to determine the role of this variant in disease. Therefore, it has been classified as a Variant of Uncertain Significance. Advanced modeling of protein sequence and biophysical properties (such as structural, functional, and spatial information, amino acid conservation, physicochemical variation, residue mobility, and thermodynamic stability) has been performed at Invitae for this missense variant, however the output from this modeling did not meet the statistical confidence thresholds required to predict the impact of this variant on DES protein function. This variant has not been reported in the literature in individuals affected with DES-related conditions. This variant is not present in population databases (gnomAD no frequency). This sequence change replaces arginine, which is basic and polar, with glycine, which is neutral and non-polar, at codon 146 of the DES protein (p.Arg146Gly).

NM_001927.4(DES):c.436C>G (p.Arg146Gly)

Gene: DES (desmin; plus strand). Cytogenetic location: 2q35.
Variant type: single nucleotide variant.
Coding change: c.436C>G on transcript NM_001927.4 (MANE Select); coding-DNA position 436, C replaced by G.
Protein change: p.Arg146Gly; replaces arginine 146 with glycine.
Molecular consequence: missense variant.
Genome position (GRCh38, 1-based): chr2:219,418,898, C>G. VCF-style: chr2-219418898-C-G. GRCh37 (hg19) VCF-style: chr2-220283620-C-G.
Other names: c.436C>G, p.Arg146Gly (NM_001382708.1, NM_001382709.1, NM_001382710.1 and 3 more transcripts); short protein forms R146G.
Identifiers: ClinVar variation 2949962 (VCV002949962.4), dbSNP rs2125166425, ClinGen allele CA350686181.